The following is an entry in ClinVar:

NM_001042545.2(LTBP4):c.1238G>A (p.Gly413Asp)

Gene: LTBP4 (latent transforming growth factor beta binding protein 4; plus strand). Cytogenetic location: 19q13.2.
Variant type: single nucleotide variant.
Coding change: c.1238G>A on transcript NM_001042545.2 (MANE Select); coding-DNA position 1238, G replaced by A.
Protein change: p.Gly413Asp; replaces glycine 413 with aspartic acid.
Molecular consequence: missense variant.
Genome position (GRCh38, 1-based): chr19:40,608,301, G>A. VCF-style: chr19-40608301-G-A. GRCh37 (hg19) VCF-style: chr19-41114207-G-A.
Other names: c.1439G>A, p.Gly480Asp (NM_001042544.1); c.1328G>A, p.Gly443Asp (NM_003573.2); short protein forms G413D, G443D, G480D.
Identifiers: ClinVar variation 235240 (VCV000235240.22), dbSNP rs114749335, ClinGen allele CA9448228.

ClinVar aggregate classification (germline): Conflicting classifications of pathogenicity. Review status: criteria provided, conflicting classifications (1 of 4 stars). 8 submissions from 8 submitters: Uncertain significance (1); Benign (1); Likely benign (5). 1 of the submissions does not count toward it. Last evaluated 2026-08-01.

Conditions:
LTBP4-related disorder. Also called: LTBP4-related condition.
Inborn genetic diseases. Identifiers: MedGen C0950123, MeSH D030342.
Cutis laxa with severe pulmonary, gastrointestinal and urinary anomalies. Also called: LTBP4-Related Cutis Laxa; Cutis laxa, autosomal recessive, type IC; URBAN-RIFKIN-DAVIS SYNDROME. Identifiers: Orphanet 221145, MedGen C2750804, MONDO:0013170, OMIM 613177. Disease mechanism: loss of function.

Allele frequency attached by ClinVar (database versions not stated): ExAC 0.00084; gnomAD 0.00299 and 0.00315; TOPMed 0.00300; ESP Exome Variant Server 0.00317; 1000 Genomes Project 0.00359; 1000 Genomes Project 30x 0.00390.
gnomAD v4.1: 882 of 1,613,792 alleles (0.055%); highest among the groups gnomAD compares: African/African-American, 1.1%; 4 homozygotes.

Submissions (8):

CeGaT Center for Human Genetics Tuebingen
Classification: Likely benign. Last evaluated: 2026-08-01. Review status: criteria provided, single submitter. Criteria: CeGaT Center For Human Genetics Tuebingen Variant Classification Criteria Version 2. Collection method: clinical testing. Allele origin: germline. Affected: yes. Observed: 1 variant allele.
Comment: LTBP4: BS1

Labcorp Genetics (formerly Invitae), Labcorp
Classification: Benign. Last evaluated: 2026-02-01. Review status: criteria provided, single submitter. Criteria: Invitae Variant Classification Sherloc (09022015). Collection method: clinical testing. Allele origin: germline.

Ambry Genetics
Classification: Uncertain significance for Inborn genetic diseases. Last evaluated: 2025-08-12. Review status: criteria provided, single submitter. Criteria: Ambry Variant Classification Scheme 2023. Collection method: clinical testing. Allele origin: germline.

Blueprint Genetics
Classification: Likely benign. Last evaluated: 2024-08-06. Review status: criteria provided, single submitter. Criteria: ACMG Guidelines, 2015. Collection method: clinical testing. Allele origin: germline.

GeneDx
Classification: Likely benign. Last evaluated: 2021-04-01. Review status: criteria provided, single submitter. Criteria: GeneDx Variant Classification Process June 2021. Collection method: clinical testing. Allele origin: germline. Affected: yes.

Illumina Laboratory Services, Illumina
Classification: Likely benign for Cutis laxa with severe pulmonary, gastrointestinal and urinary anomalies. Last evaluated: 2018-01-13. Review status: criteria provided, single submitter. Criteria: ICSL Variant Classification Criteria 13 December 2019. Collection method: clinical testing. Allele origin: germline.
Comment: This variant was observed in the ICSL laboratory as part of a predisposition screen in an ostensibly healthy population. It had not been previously curated by ICSL or reported in the Human Gene Mutation Database (HGMD: prior to June 1st, 2018), and was therefore a candidate for classification through an automated scoring system. Utilizing variant allele frequency, disease prevalence and penetrance estimates, and inheritance mode, an automated score was calculated to assess if this variant is too frequent to cause the disease. Based on the score and internal cut-off values, a variant classified as likely benign is not then subjected to further curation. The score for this variant resulted in a classification of likely benign for this disease.

Center for Pediatric Genomic Medicine, Children's Mercy Hospital and Clinics
Classification: Likely benign. Last evaluated: 2015-10-28. Review status: criteria provided, single submitter. Criteria: ACMG Guidelines, 2015. Collection method: clinical testing. Allele origin: germline.
ClinVar note: Converted during submission from Likely Benign to Likely benign.

PreventionGenetics, part of Exact Sciences
Classification: Benign for LTBP4-related condition. Last evaluated: 2019-04-16. Review status: no assertion criteria provided. Collection method: clinical testing. Allele origin: germline. Not counted in ClinVar's aggregate classification.
Comment: This variant is classified as benign based on ACMG/AMP sequence variant interpretation guidelines (Richards et al. 2015 PMID: 25741868, with internal and published modifications).